The following is an entry in ClinVar:

ClinVar aggregate classification (germline): Uncertain significance (1 of 4 stars; one submission).

Conditions:
Developmental and epileptic encephalopathy, 12 (DEE12). Identifiers: MedGen C3150988, MONDO:0013389, OMIM 613722.

gnomAD v4.1: 4 of 1,550,356 alleles (0.00026%); highest among the groups gnomAD compares: Admixed American, 0.002%; no homozygotes.

Submission:

Labcorp Genetics (formerly Invitae), Labcorp
Classification: Uncertain significance for Developmental and epileptic encephalopathy, 12. Last evaluated: 2021-05-14. Review status: criteria provided, single submitter. Criteria: Invitae Variant Classification Sherloc (09022015). Collection method: clinical testing. Allele origin: germline.
Comment: This sequence change replaces arginine with cysteine at codon 446 of the PNKP protein (p.Arg446Cys). The arginine residue is highly conserved and there is a large physicochemical difference between arginine and cysteine. The frequency data for this variant in the population databases is considered unreliable, as metrics indicate insufficient coverage at this position in the ExAC database. This variant has not been reported in the literature in individuals with PNKP-related conditions. Algorithms developed to predict the effect of missense changes on protein structure and function are either unavailable or do not agree on the potential impact of this missense change (SIFT: "Deleterious"; PolyPhen-2: "Probably Damaging"; Align-GVGD: "Class C0"). In summary, the available evidence is currently insufficient to determine the role of this variant in disease. Therefore, it has been classified as a Variant of Uncertain Significance.

NM_007254.4(PNKP):c.1336C>T (p.Arg446Cys)

Gene: PNKP (polynucleotide kinase 3'-phosphatase; minus strand). Cytogenetic location: 19q13.33.
Variant type: single nucleotide variant.
Coding change: c.1336C>T on transcript NM_007254.4 (MANE Select); coding-DNA position 1336, C replaced by T.
Protein change: p.Arg446Cys; replaces arginine 446 with cysteine.
Molecular consequence: missense variant.
Genome position (GRCh38, 1-based): chr19:49,861,658, G>A on the plus strand (C>T on the coding strand, the complement: PNKP is on the minus strand). VCF-style: chr19-49861658-G-A. GRCh37 (hg19) VCF-style: chr19-50364915-G-A.
Other names: short protein forms R446C.
Identifiers: ClinVar variation 1427600 (VCV001427600.7), dbSNP rs1271713057, ClinGen allele CA406933172.